The following is an entry in ClinVar:

ClinVar aggregate classification (germline): Uncertain significance (1 of 4 stars; one submission).

Conditions:
Gastrointestinal stromal tumor. Also called: Gastrointestinal stromal tumor, somatic; Gastrointestinal stroma tumor. Identifiers: Orphanet 44890, MedGen C0238198, MeSH D046152, MONDO:0011719, OMIM 606764, HP:0100723.

Submission:

Labcorp Genetics (formerly Invitae), Labcorp
Classification: Uncertain significance for Gastrointestinal stromal tumor. Last evaluated: 2022-12-20. Review status: criteria provided, single submitter. Criteria: Invitae Variant Classification Sherloc (09022015). Collection method: clinical testing. Allele origin: germline.
Comment: In summary, the available evidence is currently insufficient to determine the role of this variant in disease. Therefore, it has been classified as a Variant of Uncertain Significance. Algorithms developed to predict the effect of sequence changes on RNA splicing suggest that this variant may create or strengthen a splice site. ClinVar contains an entry for this variant (Variation ID: 1514231). This variant has not been reported in the literature in individuals affected with KIT-related conditions. This variant is not present in population databases (gnomAD no frequency). This sequence change affects codon 589 of the KIT mRNA. It is a 'silent' change, meaning that it does not change the encoded amino acid sequence of the KIT protein.

NM_000222.3(KIT):c.1765C>T (p.Leu589=)

Gene: KIT (KIT proto-oncogene, receptor tyrosine kinase; plus strand). Cytogenetic location: 4q12.
Variant type: single nucleotide variant.
Coding change: c.1765C>T on transcript NM_000222.3 (MANE Select); coding-DNA position 1765, C replaced by T.
Protein change: p.Leu589=; no amino-acid change (leucine 589 retained).
Molecular consequence: synonymous variant.
Genome position (GRCh38, 1-based): chr4:54,727,533, C>T. VCF-style: chr4-54727533-C-T. GRCh37 (hg19) VCF-style: chr4-55593699-C-T.
Other names: c.1753C>T, p.Leu585= (NM_001093772.2, NM_001385286.1); c.1768C>T, p.Leu590= (NM_001385284.1, NM_001385290.1); c.1765C>T, p.Leu589= (NM_001385285.1); c.1756C>T, p.Leu586= (NM_001385288.1, NM_001385292.1).
Identifiers: ClinVar variation 1514231 (VCV001514231.6), dbSNP rs2109777481, ClinGen allele CA439291289.
Genomic context (GRCh38, chr4:54,727,533, plus strand): 5'-GTTTACATAGACCCAACACAACTTCCTTATGATCACAAATGGGAGTTTCCCAGAAACAGG[C>T]TGAGTTTTGGTCAGTATGAAACAGGGGCTTTCCATGTCACCTTTTTGGGTACACATAACA-3'
Protein context (NP_000213.1, residues 579-599): DHKWEFPRNR[Leu589=]SFGKTLGAGA